The following is an entry in ClinVar:

NC_000003.12:g.(?_81490397)_(81490473_?)del

Gene: GBE1 (1,4-alpha-glucan branching enzyme 1; minus strand). Cytogenetic location: 3p12.2.
Variant type: Deletion.
Identifiers: ClinVar variation 830865 (VCV000830865.7).

ClinVar aggregate classification (germline): Likely pathogenic (1 of 4 stars; one submission).

Conditions:
Glycogen storage disease, type IV (GSD4). Also called: Glycogen storage disease due to glycogen branching enzyme deficiency; AMYLOPECTINOSIS; ANDERSEN DISEASE; BRANCHER DEFICIENCY; CIRRHOSIS, FAMILIAL, WITH DEPOSITION OF ABNORMAL GLYCOGEN; GBE1 DEFICIENCY. Identifiers: Orphanet 367, MedGen C0017923, MONDO:0009292, OMIM 232500.
Glycogen storage disease IV, classic hepatic. Also called: GSD IV, CLASSIC HEPATIC. Identifiers: MedGen C1856301.

Submission:

Labcorp Genetics (formerly Invitae), Labcorp
Classification: Likely pathogenic for Glycogen storage disease, type IV; Glycogen storage disease IV, classic hepatic. Last evaluated: 2022-11-02. Review status: criteria provided, single submitter. Criteria: Invitae Variant Classification Sherloc (09022015). Collection method: clinical testing. Allele origin: germline.
Comment: This variant is a gross deletion of the genomic region encompassing exon(s) 16 of the GBE1 gene, which includes the termination codon. This deletion extends beyond the assayed region for this gene and therefore may encompass additional genes. While this deletion is not anticipated to lead to nonsense mediated decay, it is expected to alter mRNA translation or result in a truncated protein product. A similar copy number variant has been observed in individual(s) with congenital glycogen storage disease IV (PMID: 18230843). In summary, the currently available evidence indicates that the variant is pathogenic, but additional data are needed to prove that conclusively. Therefore, this variant has been classified as Likely Pathogenic.

Literature cited by the submitters: PubMed 18230843.